The following is an entry in ClinVar:

ClinVar aggregate classification (germline): Uncertain significance. Review status: criteria provided, multiple submitters, no conflicts (2 of 4 stars). 2 submissions from 2 submitters: Uncertain significance (2). Last evaluated 2025-03-31.

gnomAD v4.1: 1 of 1,610,450 alleles (0.000062%); highest among the groups gnomAD compares: Non-Finnish European, 0.000085%; no homozygotes.

Submissions (2):

Labcorp Genetics (formerly Invitae), Labcorp
Classification: Uncertain significance. Last evaluated: 2025-03-31. Review status: criteria provided, single submitter. Criteria: Invitae Variant Classification Sherloc (09022015). Collection method: clinical testing. Allele origin: germline.
Comment: This sequence change replaces proline, which is neutral and non-polar, with serine, which is neutral and polar, at codon 54 of the TNFRSF6B protein (p.Pro54Ser). This variant is not present in population databases (gnomAD no frequency). This variant has not been reported in the literature in individuals affected with TNFRSF6B-related conditions. ClinVar contains an entry for this variant (Variation ID: 2844823). An algorithm developed to predict the effect of missense changes on protein structure and function (PolyPhen-2) suggests that this variant is likely to be disruptive. In summary, the available evidence is currently insufficient to determine the role of this variant in disease. Therefore, it has been classified as a Variant of Uncertain Significance.

Ambry Genetics
Classification: Uncertain significance. Last evaluated: 2024-04-29. Review status: criteria provided, single submitter. Criteria: Ambry Variant Classification Scheme 2023. Collection method: clinical testing. Allele origin: germline.

NM_003823.4(TNFRSF6B):c.160C>T (p.Pro54Ser)

Genes: RTEL1-TNFRSF6B (RTEL1-TNFRSF6B readthrough (NMD candidate); plus strand), TNFRSF6B (TNF receptor superfamily member 6b; plus strand). Cytogenetic location: 20q13.33.
Variant type: single nucleotide variant.
Coding change: c.160C>T on transcript NM_003823.4 (MANE Select); coding-DNA position 160, C replaced by T.
Protein change: p.Pro54Ser; replaces proline 54 with serine.
Molecular consequence: missense variant. On other transcripts: non-coding transcript variant (1).
Genome position (GRCh38, 1-based): chr20:63,696,927, C>T. VCF-style: chr20-63696927-C-T. GRCh37 (hg19) VCF-style: chr20-62328280-C-T.
Other names: c.160C>T (NM_003823.3); short protein forms P54S.
Identifiers: ClinVar variation 2844823 (VCV002844823.4), dbSNP rs1568729901, ClinGen allele CA409710874.